The following is an entry in ClinVar:

NM_000057.4(BLM):c.3641T>C (p.Met1214Thr)

Gene: BLM (BLM RecQ like helicase; plus strand). Cytogenetic location: 15q26.1.
Variant type: single nucleotide variant.
Coding change: c.3641T>C on transcript NM_000057.4 (MANE Select); coding-DNA position 3641, T replaced by C.
Protein change: p.Met1214Thr; replaces methionine 1214 with threonine.
Molecular consequence: missense variant. On other transcripts: intron variant (1).
Genome position (GRCh38, 1-based): chr15:90,804,249, T>C. VCF-style: chr15-90804249-T-C. GRCh37 (hg19) VCF-style: chr15-91347479-T-C.
Other names: c.3641T>C, p.Met1214Thr (NM_001287246.2); c.2516T>C, p.Met839Thr (NM_001287248.2); c.3359-4888T>C (NM_001287247.2); c.3641T>C (NM_000057.2); short protein forms M1214T, M839T.
Identifiers: ClinVar variation 649215 (VCV000649215.17), dbSNP rs1596268211, ClinGen allele CA393848066.
Genomic context (GRCh38, chr15:90,804,249, plus strand): 5'-ATTCCAGCAGTGTGAAAAAACAAAAAGCGTTAGTAGCAAAAGTGTCTCAGAGGGAAGAGA[T>C]GGTTAAAAAATGTCTTGGAGAACTTACAGAAGTCTGCAAATCTCTGGGGAAAGTTTTTGG-3'
Protein context (NP_000048.1, residues 1204-1224): LVAKVSQREE[Met1214Thr]VKKCLGELTE

ClinVar aggregate classification (germline): Uncertain significance. Review status: criteria provided, multiple submitters, no conflicts (2 of 4 stars). 3 submissions from 3 submitters: Uncertain significance (2). 1 of the submissions does not count toward it. Last evaluated 2024-08-31.

Conditions:
Hereditary cancer-predisposing syndrome. Also called: Neoplastic Syndromes, Hereditary; Tumor predisposition; Hereditary Cancer Syndrome; Hereditary neoplastic syndrome. Identifiers: Orphanet 140162, MedGen C0027672, MeSH D009386, MONDO:0015356.
Bloom syndrome (BLM). Also called: Bloom-Torre-Machacek syndrome. Identifiers: Orphanet 125, MedGen C0005859, MONDO:0008876, OMIM 210900.

Allele frequency attached by ClinVar (database versions not stated): gnomAD exomes below 0.00001; TOPMed 0.00001.

Submissions (3):

Labcorp Genetics (formerly Invitae), Labcorp
Classification: Uncertain significance for Bloom syndrome. Last evaluated: 2024-08-31. Review status: criteria provided, single submitter. Criteria: Invitae Variant Classification Sherloc (09022015). Collection method: clinical testing. Allele origin: germline.
Comment: This sequence change replaces methionine, which is neutral and non-polar, with threonine, which is neutral and polar, at codon 1214 of the BLM protein (p.Met1214Thr). This variant is not present in population databases (gnomAD no frequency). This variant has not been reported in the literature in individuals affected with BLM-related conditions. ClinVar contains an entry for this variant (Variation ID: 649215). Invitae Evidence Modeling of protein sequence and biophysical properties (such as structural, functional, and spatial information, amino acid conservation, physicochemical variation, residue mobility, and thermodynamic stability) has been performed for this missense variant. However, the output from this modeling did not meet the statistical confidence thresholds required to predict the impact of this variant on BLM protein function. In summary, the available evidence is currently insufficient to determine the role of this variant in disease. Therefore, it has been classified as a Variant of Uncertain Significance.

Ambry Genetics
Classification: Uncertain significance for Hereditary cancer-predisposing syndrome. Last evaluated: 2024-04-01. Review status: criteria provided, single submitter. Criteria: Ambry Variant Classification Scheme 2023. Collection method: clinical testing. Allele origin: germline.
Comment: The p.M1214T variant (also known as c.3641T>C), located in coding exon 18 of the BLM gene, results from a T to C substitution at nucleotide position 3641. The methionine at codon 1214 is replaced by threonine, an amino acid with similar properties. This amino acid position is conserved. In addition, this alteration is predicted to be tolerated by in silico analysis. Since supporting evidence is limited at this time, the clinical significance of this alteration remains unclear.

Natera, Inc.
Classification: Uncertain significance for Bloom syndrome. Last evaluated: 2020-07-05. Review status: no assertion criteria provided. Collection method: clinical testing. Allele origin: germline. Not counted in ClinVar's aggregate classification.